The following is an entry in ClinVar:

NM_000350.3(ABCA4):c.1492G>A (p.Asp498Asn)

Gene: ABCA4 (ATP binding cassette subfamily A member 4; minus strand). Cytogenetic location: 1p22.1.
Variant type: single nucleotide variant.
Coding change: c.1492G>A on transcript NM_000350.3 (MANE Select); coding-DNA position 1492, G replaced by A.
Protein change: p.Asp498Asn; replaces aspartic acid 498 with asparagine.
Molecular consequence: missense variant.
Genome position (GRCh38, 1-based): chr1:94,077,752, C>T on the plus strand (G>A on the coding strand, the complement: ABCA4 is on the minus strand). VCF-style: chr1-94077752-C-T. GRCh37 (hg19) VCF-style: chr1-94543308-C-T.
Other names: c.1492G>A, p.Asp498Asn (NM_001425324.1); short protein forms D498N.
Identifiers: ClinVar variation 193810 (VCV000193810.9), dbSNP rs750836609, ClinGen allele CA239472.

ClinVar aggregate classification (germline): Uncertain significance. Review status: criteria provided, multiple submitters, no conflicts (2 of 4 stars). 3 submissions from 3 submitters: Uncertain significance (3). Last evaluated 2025-04-28.

Allele frequency attached by ClinVar (database versions not stated): TOPMed 0.00001; gnomAD 0.00002 and 0.00003; ExAC 0.00003.
gnomAD v4.1: 56 of 1,614,026 alleles (0.0035%); highest among the groups gnomAD compares: Non-Finnish European, 0.0044%; no homozygotes.

Submissions (3):

Labcorp Genetics (formerly Invitae), Labcorp
Classification: Uncertain significance. Last evaluated: 2025-04-28. Review status: criteria provided, single submitter. Criteria: Invitae Variant Classification Sherloc (09022015). Collection method: clinical testing. Allele origin: germline.
Comment: This sequence change replaces aspartic acid, which is acidic and polar, with asparagine, which is neutral and polar, at codon 498 of the ABCA4 protein (p.Asp498Asn). This variant is present in population databases (rs750836609, gnomAD 0.006%). This variant has not been reported in the literature in individuals affected with ABCA4-related conditions. ClinVar contains an entry for this variant (Variation ID: 193810). An algorithm developed to predict the effect of missense changes on protein structure and function outputs the following: PolyPhen-2: "Benign". The asparagine amino acid residue is found in multiple mammalian species, which suggests that this missense change does not adversely affect protein function. In summary, the available evidence is currently insufficient to determine the role of this variant in disease. Therefore, it has been classified as a Variant of Uncertain Significance.

Blueprint Genetics
Classification: Uncertain significance. Last evaluated: 2024-10-30. Review status: criteria provided, single submitter. Criteria: ACMG Guidelines, 2015. Collection method: clinical testing. Allele origin: germline.

Eurofins Ntd Llc (ga)
Classification: Uncertain significance. Last evaluated: 2014-10-08. Review status: criteria provided, single submitter. Criteria: EGL Classification Definitions 2015. Collection method: clinical testing. Allele origin: germline. Observed: 2 variant alleles, 2 heterozygotes.